The following is an entry in ClinVar:

ClinVar aggregate classification (germline): Pathogenic. Review status: criteria provided, multiple submitters, no conflicts (2 of 4 stars). 6 submissions from 6 submitters: Pathogenic (5). 1 of the submissions does not count toward it. Last evaluated 2025-08-10.

Conditions:
Renal carnitine transport defect (CDSP). Also called: Primary carnitine deficiency; Carnitine transporter deficiency; Carnitine Deficiency, Systemic; Systemic primary carnitine deficiency disease; Systemic primary carnitine deficiency; CARNITINE DEFICIENCY, SYSTEMIC, DUE TO DEFECT IN RENAL REABSORPTION OF CARNITINE. Identifiers: Orphanet 158, MedGen C0342788, MONDO:0008919, OMIM 212140.

Allele frequency attached by ClinVar (database versions not stated): gnomAD 0.00001; gnomAD exomes 0.00001; TOPMed below 0.00001; ExAC 0.00001.

Submissions (6):

Labcorp Genetics (formerly Invitae), Labcorp
Classification: Pathogenic for Renal carnitine transport defect. Last evaluated: 2025-08-10. Review status: criteria provided, single submitter. Criteria: Invitae Variant Classification Sherloc (09022015). Collection method: clinical testing. Allele origin: germline.
Comment: This sequence change creates a premature translational stop signal (p.Leu269Hisfs*27) in the SLC22A5 gene. It is expected to result in an absent or disrupted protein product. Loss-of-function variants in SLC22A5 are known to be pathogenic (PMID: 9916797). This variant is present in population databases (rs386134204, gnomAD 0.003%). This premature translational stop signal has been observed in individual(s) with primary carnitine deficiency (PMID: 12409266, 23379544). ClinVar contains an entry for this variant (Variation ID: 25392). For these reasons, this variant has been classified as Pathogenic.

Fulgent Genetics
Classification: Pathogenic for Renal carnitine transport defect. Last evaluated: 2024-05-14. Review status: criteria provided, single submitter. Criteria: ACMG Guidelines, 2015. Collection method: clinical testing. Allele origin: germline.

Women's Health and Genetics/Laboratory Corporation of America, LabCorp
Classification: Pathogenic for Renal carnitine transport defect. Last evaluated: 2022-05-26. Review status: criteria provided, single submitter. Criteria: LabCorp Variant Classification Summary - May 2015. Collection method: clinical testing. Allele origin: germline.
Comment: Variant summary: SLC22A5 c.806delT (p.Leu269HisfsX27) results in a premature termination codon, predicted to cause a truncation of the encoded protein or absence of the protein due to nonsense mediated decay, which are commonly known mechanisms for disease. Truncations downstream of this position have been classified as pathogenic by our laboratory. At least one publication reports experimental evidence that this variant affects mRNA splicing. The variant allele was found at a frequency of 8e-06 in 251418 control chromosomes. c.806delT has been reported in the literature in individuals affected with Systemic Primary Carnitine Deficiency. These data indicate that the variant may be associated with disease. Four clinical diagnostic laboratories have submitted clinical-significance assessments for this variant to ClinVar after 2014 without evidence for independent evaluation. All laboratories classified the variant as pathogenic/likely pathogenic. Based on the evidence outlined above, the variant was classified as pathogenic.

Genome-Nilou Lab
Classification: Pathogenic for Renal carnitine transport defect. Last evaluated: 2021-07-15. Review status: criteria provided, single submitter. Criteria: ACMG Guidelines, 2015. Collection method: clinical testing. Allele origin: germline. Affected: no.

GeneDx
Classification: Pathogenic. Last evaluated: 2020-08-31. Review status: criteria provided, single submitter. Criteria: GeneDx Variant Classification Process June 2021. Collection method: clinical testing. Allele origin: germline. Affected: yes.
Comment: Frameshift variant predicted to result in protein truncation or nonsense mediated decay in a gene for which loss-of-function is a known mechanism of disease; Not observed at a significant frequency in large population cohorts (Lek et al., 2016); This variant is associated with the following publications: (PMID: 26828774, 23379544, 12409266, 20574985, 16602102)

Counsyl
Classification: Likely pathogenic for Renal carnitine transport defect. Last evaluated: 2016-02-19. Review status: no assertion criteria provided. Collection method: clinical testing. Allele origin: unknown. Not counted in ClinVar's aggregate classification.

Literature cited by the submitters: PubMed 9916797 (cited by Labcorp Genetics (formerly Invitae), Labcorp); PubMed 12409266 (cited by 3 submitters); PubMed 23379544 (cited by Labcorp Genetics (formerly Invitae), Labcorp); PubMed 28841266 (cited by Women's Health and Genetics/Laboratory Corporation of America, LabCorp); PubMed 20574985 (cited by Counsyl).

NM_003060.4(SLC22A5):c.806del (p.Leu269fs)

Gene: SLC22A5 (solute carrier family 22 member 5; plus strand). Cytogenetic location: 5q31.1.
Variant type: Deletion.
Coding change: c.806del on transcript NM_003060.4 (MANE Select); coding-DNA position 806, one base deleted (T; older notation c.806delT).
Protein change: p.Leu269fs; shifts the reading frame from leucine 269.
Molecular consequence: frameshift variant.
Genome position (GRCh38, 1-based): chr5:132,385,481, T deleted. VCF-style (leftmost placement, unchanged base first): chr5-132385480-CT-C. GRCh37 (hg19) VCF-style: chr5-131721172-CT-C.
Other names: c.806delT (NM_003060.3); c.878del, p.Leu293fs (NM_001308122.2); short protein forms L293fs, L269fs.
Identifiers: ClinVar variation 25392 (VCV000025392.24), dbSNP rs386134204, ClinGen allele CA342650.